The following is an entry in ClinVar:

NM_000372.5(TYR):c.819G>A (p.Gln273=)

Gene: TYR (tyrosinase; plus strand). Cytogenetic location: 11q14.3.
Variant type: single nucleotide variant.
Coding change: c.819G>A on transcript NM_000372.5 (MANE Select); coding-DNA position 819, G replaced by A.
Protein change: p.Gln273=; no amino-acid change (glutamine 273 retained).
Molecular consequence: synonymous variant.
Genome position (GRCh38, 1-based): chr11:89,178,772, G>A. VCF-style: chr11-89178772-G-A. GRCh37 (hg19) VCF-style: chr11-88911940-G-A.
Identifiers: ClinVar variation 3341438 (VCV003341438.1).

ClinVar aggregate classification (germline): Uncertain significance (1 of 4 stars; one submission).

Conditions:
Oculocutaneous albinism type 1A (OCA1A). Also called: Albinism, oculocutaneous, type IA. Identifiers: Orphanet 352731, Orphanet 79431, MedGen C4551504, MONDO:0008745, OMIM 203100. Disease mechanism: loss of function.

Submission:

Neuberg Centre For Genomic Medicine, NCGM
Classification: Uncertain significance for Oculocutaneous albinism type 1A. Last evaluated: 2023-05-20. Review status: criteria provided, single submitter. Criteria: ACMG Guidelines, 2015. Collection method: clinical testing. Allele origin: germline. Inheritance: Autosomal recessive inheritance. Affected: yes.
Comment: The splice region synonymous variant c.819G>A(p.Gln273) in TYR gene has not been reported previously as a pathogenic variant nor as a benign variant, to our knowledge. The observed variant is absent in gnomAD exomes database. This variant has not been submitted to the ClinVar database. SpliceAI predicts value of 0.6600 for this variant. For these reasons, this variant has been classified as Uncertain Significance (VUS).